The following is an entry in ClinVar:

ClinVar aggregate classification (germline): Uncertain significance. Review status: criteria provided, multiple submitters, no conflicts (2 of 4 stars). 3 submissions from 3 submitters: Uncertain significance (3). Last evaluated 2025-09-14.

Conditions:
Epilepsy, childhood absence, susceptibility to, 1. Also called: Epilepsy, childhood absence 1. Identifiers: Orphanet 64280, MedGen C1838604, MONDO:0020759, OMIM 600131.
Epilepsy, childhood absence, susceptibility to, 5. Identifiers: Orphanet 64280, MedGen C2677087, MONDO:0012843, OMIM 612269.
Developmental and epileptic encephalopathy, 43 (DEE43). Also called: Epileptic encephalopathy, early infantile, 43. Identifiers: MedGen C4310712, MONDO:0014921, OMIM 617113.

Allele frequency attached by ClinVar (database versions not stated): ExAC 0.00001.

Submissions (3):

Labcorp Genetics (formerly Invitae), Labcorp
Classification: Uncertain significance for Epilepsy, childhood absence, susceptibility to, 5; Epilepsy, childhood absence, susceptibility to, 1. Last evaluated: 2025-09-14. Review status: criteria provided, single submitter. Criteria: Invitae Variant Classification Sherloc (09022015). Collection method: clinical testing. Allele origin: germline.
Comment: This sequence change replaces asparagine, which is neutral and polar, with serine, which is neutral and polar, at codon 351 of the GABRB3 protein (p.Asn351Ser). This variant is not present in population databases (gnomAD no frequency). This variant has not been reported in the literature in individuals affected with GABRB3-related conditions. ClinVar contains an entry for this variant (Variation ID: 653022). Invitae Evidence Modeling of protein sequence and biophysical properties (such as structural, functional, and spatial information, amino acid conservation, physicochemical variation, residue mobility, and thermodynamic stability) indicates that this missense variant is not expected to disrupt GABRB3 protein function with a negative predictive value of 95%. In summary, the available evidence is currently insufficient to determine the role of this variant in disease. Therefore, it has been classified as a Variant of Uncertain Significance.

Blueprint Genetics
Classification: Uncertain significance. Last evaluated: 2024-10-08. Review status: criteria provided, single submitter. Criteria: ACMG Guidelines, 2015. Collection method: clinical testing. Allele origin: germline.

Victorian Clinical Genetics Services, Murdoch Childrens Research Institute
Classification: Uncertain significance for Developmental and epileptic encephalopathy, 43. Last evaluated: 2023-07-16. Review status: criteria provided, single submitter. Criteria: ACMG Guidelines, 2015. Collection method: clinical testing. Allele origin: germline. Inheritance: Autosomal dominant inheritance. Affected: yes.
Comment: Based on the classification scheme VCGS_Germline_v1.3.4, this variant is classified as VUS-3C. Following criteria are met: 0103 - Loss of function and gain of function are known mechanisms of disease in this gene and are associated with developmental and epileptic encephalopathy 43 (MIM#617113). While loss-of-function type variants have been reported, functional studies on a handful of missense variants also demonstrated gain-of-function (PMID: 33585817). (I) 0107 - This gene is associated with autosomal dominant disease. (I) 0112 - The condition associated with this gene has incomplete penetrance. Loss-of-function type variants have been reported to be inherited from unaffected parents (PMID: 28053010). (I) 0200 - Variant is predicted to result in a missense amino acid change from asparagine to serine. (I) 0251 - This variant is heterozygous. (I) 0301 - Variant is absent from gnomAD (both v2 and v3). (SP) 0502 - Missense variant with conflicting in silico predictions and uninformative conservation. (I) 0604 - Variant is not located in an established domain, motif, hotspot or informative constraint region. (I) 0705 - No comparable missense variants have previous evidence for pathogenicity. (I) 0809 - Previous evidence of pathogenicity for this variant is inconclusive. This variant has been classified as a VUS by a clinical laboratory in ClinVar. (I) 0904 - Non-segregation of this variant with the phenotype under investigation has been clearly demonstrated. (SB) 1007 - No published functional evidence has been identified for this variant. (I) Legend: (SP) - Supporting pathogenic, (I) - Information, (SB) - Supporting benign

Literature cited by the submitters: PubMed 28053010 (cited by Victorian Clinical Genetics Services, Murdoch Childrens Research Institute); PubMed 33585817 (cited by Victorian Clinical Genetics Services, Murdoch Childrens Research Institute).

NM_000814.6(GABRB3):c.1052A>G (p.Asn351Ser)

Gene: GABRB3 (gamma-aminobutyric acid type A receptor subunit beta3; minus strand). Cytogenetic location: 15q12.
Variant type: single nucleotide variant.
Coding change: c.1052A>G on transcript NM_000814.6 (MANE Select); coding-DNA position 1052, A replaced by G.
Protein change: p.Asn351Ser; replaces asparagine 351 with serine.
Molecular consequence: missense variant.
Genome position (GRCh38, 1-based): chr15:26,560,960, T>C on the plus strand (A>G on the coding strand, the complement: GABRB3 is on the minus strand). VCF-style: chr15-26560960-T-C. GRCh37 (hg19) VCF-style: chr15-26806107-T-C.
Other names: c.797A>G, p.Asn266Ser (NM_001191320.2, NM_001278631.2); c.839A>G, p.Asn280Ser (NM_001191321.3); c.1052A>G, p.Asn351Ser (NM_021912.5); short protein forms N266S, N351S, N280S.
Identifiers: ClinVar variation 653022 (VCV000653022.11), dbSNP rs763319754, ClinGen allele CA7437324.